The following is an entry in ClinVar:

NM_002381.5(MATN3):c.733G>A (p.Val245Met)

Gene: MATN3 (matrilin 3; minus strand). Cytogenetic location: 2p24.1.
Variant type: single nucleotide variant.
Coding change: c.733G>A on transcript NM_002381.5 (MANE Select); coding-DNA position 733, G replaced by A.
Protein change: p.Val245Met; replaces valine 245 with methionine.
Molecular consequence: missense variant.
Genome position (GRCh38, 1-based): chr2:20,005,801, C>T on the plus strand (G>A on the coding strand, the complement: MATN3 is on the minus strand). VCF-style: chr2-20005801-C-T. GRCh37 (hg19) VCF-style: chr2-20205562-C-T.
Other names: short protein forms V245M.
Identifiers: ClinVar variation 898414 (VCV000898414.8), dbSNP rs182164052, ClinGen allele CA1543914.

ClinVar aggregate classification (germline): Conflicting classifications of pathogenicity. Review status: criteria provided, conflicting classifications (1 of 4 stars). 2 submissions from 2 submitters: Uncertain significance (1); Likely benign (1). Last evaluated 2022-09-07.

Conditions:
Multiple epiphyseal dysplasia type 5 (EDM5). Also called: MATN3-Related Multiple Epiphyseal Dysplasia; Microepiphyseal dysplasia, bilateral hereditary. Identifiers: Orphanet 93311, MedGen C1846843, MONDO:0011765, OMIM 607078.

Allele frequency attached by ClinVar (database versions not stated): 1000 Genomes Project 30x 0.00016; gnomAD 0.00018 and 0.00020; TOPMed 0.00019; 1000 Genomes Project 0.00020.
gnomAD v4.1: 66 of 1,611,212 alleles (0.0041%); highest among the groups gnomAD compares: African/African-American, 0.048%; no homozygotes.

Submissions (2):

Labcorp Genetics (formerly Invitae), Labcorp
Classification: Uncertain significance. Last evaluated: 2022-09-07. Review status: criteria provided, single submitter. Criteria: Invitae Variant Classification Sherloc (09022015). Collection method: clinical testing. Allele origin: germline.
Comment: This sequence change replaces valine, which is neutral and non-polar, with methionine, which is neutral and non-polar, at codon 245 of the MATN3 protein (p.Val245Met). This variant is present in population databases (rs182164052, gnomAD 0.06%), and has an allele count higher than expected for a pathogenic variant. This variant has not been reported in the literature in individuals affected with MATN3-related conditions. ClinVar contains an entry for this variant (Variation ID: 898414). Algorithms developed to predict the effect of missense changes on protein structure and function are either unavailable or do not agree on the potential impact of this missense change (SIFT: "Deleterious"; PolyPhen-2: "Probably Damaging"; Align-GVGD: "Class C15"). In summary, the available evidence is currently insufficient to determine the role of this variant in disease. Therefore, it has been classified as a Variant of Uncertain Significance.

Illumina Laboratory Services, Illumina
Classification: Likely benign for Multiple epiphyseal dysplasia type 5. Last evaluated: 2017-04-27. Review status: criteria provided, single submitter. Criteria: ICSL Variant Classification Criteria 13 December 2019. Collection method: clinical testing. Allele origin: germline.
Comment: This variant was observed as part of a predisposition screen in an ostensibly healthy population. A literature search was performed for the gene, cDNA change, and amino acid change (where applicable). Publications were found based on this search. The evidence from the literature, in combination with allele frequency data from public databases where available, was sufficient to determine this variant is unlikely to cause disease. Therefore, this variant is classified as likely benign.

Literature cited by the submitters: PubMed 21922596 (cited by Illumina Laboratory Services, Illumina).